The following is an entry in ClinVar:

NM_006662.3(SRCAP):c.3250C>G (p.Gln1084Glu)

Gene: SRCAP (Snf2 related CREBBP activator protein; plus strand). Cytogenetic location: 16p11.2.
Variant type: single nucleotide variant.
Coding change: c.3250C>G on transcript NM_006662.3 (MANE Select); coding-DNA position 3250, C replaced by G.
Protein change: p.Gln1084Glu; replaces glutamine 1084 with glutamic acid.
Molecular consequence: missense variant.
Genome position (GRCh38, 1-based): chr16:30,720,975, C>G. VCF-style: chr16-30720975-C-G. GRCh37 (hg19) VCF-style: chr16-30732296-C-G.
Other names: short protein forms Q1084E.
Identifiers: ClinVar variation 2282491 (VCV002282491.4), dbSNP rs1034222687, ClinGen allele CA280512003.

ClinVar aggregate classification (germline): Uncertain significance. Review status: criteria provided, multiple submitters, no conflicts (2 of 4 stars). 3 submissions from 3 submitters: Uncertain significance (3). Last evaluated 2025-07-29.

Conditions:
Inborn genetic diseases. Identifiers: MedGen C0950123, MeSH D030342.
Developmental delay, hypotonia, musculoskeletal defects, and behavioral abnormalities. Identifiers: MedGen C5562012, MONDO:0859202, OMIM 619595.
Floating-Harbor syndrome (FLHS). Also called: SRCAP-Related Floating-Harbor Syndrome; Short stature with delayed bone age, expressive language delay, a triangular face with a prominent nose and deep-set eyes; Pelletier-Leisti syndrome. Identifiers: Orphanet 2044, MedGen C0729582, MONDO:0007621, OMIM 136140.

Allele frequency attached by ClinVar (database versions not stated): TOPMed below 0.00001; gnomAD 0.00001.
gnomAD v4.1: 2 of 1,599,618 alleles (0.00013%); highest among the groups gnomAD compares: African/African-American, 0.0027%; no homozygotes.

Submissions (3):

Labcorp Genetics (formerly Invitae), Labcorp
Classification: Uncertain significance. Last evaluated: 2025-07-29. Review status: criteria provided, single submitter. Criteria: Invitae Variant Classification Sherloc (09022015). Collection method: clinical testing. Allele origin: germline.
Comment: This sequence change replaces glutamine, which is neutral and polar, with glutamic acid, which is acidic and polar, at codon 1084 of the SRCAP protein (p.Gln1084Glu). This variant is not present in population databases (gnomAD no frequency). This variant has not been reported in the literature in individuals affected with SRCAP-related conditions. ClinVar contains an entry for this variant (Variation ID: 2282491). Invitae Evidence Modeling of protein sequence and biophysical properties (such as structural, functional, and spatial information, amino acid conservation, physicochemical variation, residue mobility, and thermodynamic stability) indicates that this missense variant is not expected to disrupt SRCAP protein function with a negative predictive value of 80%. In summary, the available evidence is currently insufficient to determine the role of this variant in disease. Therefore, it has been classified as a Variant of Uncertain Significance.

Fulgent Genetics
Classification: Uncertain significance for Floating-Harbor syndrome; Developmental delay, hypotonia, musculoskeletal defects, and behavioral abnormalities. Last evaluated: 2024-04-12. Review status: criteria provided, single submitter. Criteria: ACMG Guidelines, 2015. Collection method: clinical testing. Allele origin: germline.

Ambry Genetics
Classification: Uncertain significance for Inborn genetic diseases. Last evaluated: 2022-04-08. Review status: criteria provided, single submitter. Criteria: Ambry Variant Classification Scheme 2023. Collection method: clinical testing. Allele origin: germline.